The following is an entry in ClinVar:

ClinVar aggregate classification (germline): Benign/Likely benign. Review status: criteria provided, multiple submitters, no conflicts (2 of 4 stars). 2 submissions from 2 submitters: Benign (1); Likely benign (1). Last evaluated 2025-10-04.

Conditions:
Severe combined immunodeficiency due to DNA-PKcs deficiency. Also called: IMMUNODEFICIENCY 26 WITH NEUROLOGIC ABNORMALITIES; Immunodeficiency 26 with or without neurologic abnormalities. Identifiers: Orphanet 317425, MedGen C4014833, MONDO:0014423, OMIM 615966.

Allele frequency attached by ClinVar (database versions not stated): gnomAD 0.00005; gnomAD exomes 0.00005; TOPMed 0.00014; 1000 Genomes Project 30x 0.00016; 1000 Genomes Project 0.00020; ExAC 0.00026.
gnomAD v4.1: 75 of 1,603,860 alleles (0.0047%); highest among the groups gnomAD compares: East Asian, 0.15%; no homozygotes.

Submissions (2):

Labcorp Genetics (formerly Invitae), Labcorp
Classification: Benign for Severe combined immunodeficiency due to DNA-PKcs deficiency. Last evaluated: 2025-10-04. Review status: criteria provided, single submitter. Criteria: Invitae Variant Classification Sherloc (09022015). Collection method: clinical testing. Allele origin: germline.

CeGaT Center for Human Genetics Tuebingen
Classification: Likely benign. Last evaluated: 2023-10-01. Review status: criteria provided, single submitter. Criteria: CeGaT Center For Human Genetics Tuebingen Variant Classification Criteria Version 2. Collection method: clinical testing. Allele origin: germline. Affected: yes. Observed: 1 variant allele.
Comment: PRKDC: BP4, BP7

NM_006904.7(PRKDC):c.12321G>A (p.Leu4107=)

Gene: PRKDC (protein kinase, DNA-activated, catalytic subunit; minus strand). Cytogenetic location: 8q11.21.
Variant type: single nucleotide variant.
Coding change: c.12321G>A on transcript NM_006904.7 (MANE Select); coding-DNA position 12321, G replaced by A.
Protein change: p.Leu4107=; no amino-acid change (leucine 4107 retained).
Molecular consequence: synonymous variant.
Genome position (GRCh38, 1-based): chr8:47,774,239, C>T on the plus strand (G>A on the coding strand, the complement: PRKDC is on the minus strand). VCF-style: chr8-47774239-C-T. GRCh37 (hg19) VCF-style: chr8-48686800-C-T.
Other names: c.12228G>A, p.Leu4076= (NM_001081640.2).
Identifiers: ClinVar variation 2583066 (VCV002583066.27), dbSNP rs192400758, ClinGen allele CA4738857.